The following is an entry in ClinVar:

ClinVar aggregate classification (germline): Conflicting classifications of pathogenicity. Review status: criteria provided, conflicting classifications (1 of 4 stars). 6 submissions from 6 submitters: Uncertain significance (4); Benign (1). 1 of the submissions does not count toward it. Last evaluated 2025-12-06.

Conditions:
Hereditary cancer-predisposing syndrome. Also called: Tumor predisposition; Hereditary neoplastic syndrome; Neoplastic Syndromes, Hereditary; Hereditary Cancer Syndrome. Identifiers: Orphanet 140162, MedGen C0027672, MeSH D009386, MONDO:0015356.
Tuberous sclerosis 2 (TSC2). Identifiers: Orphanet 805, MedGen C1860707, MONDO:0013199, OMIM 613254.

Allele frequency attached by ClinVar (database versions not stated): gnomAD exomes 0.00002; ExAC 0.00003; gnomAD 0.00003; TOPMed 0.00003; ESP Exome Variant Server 0.00008.
gnomAD v4.1: 23 of 1,612,760 alleles (0.0014%); highest among the groups gnomAD compares: South Asian, 0.013%; no homozygotes.

Submissions (6):

Labcorp Genetics (formerly Invitae), Labcorp
Classification: Benign for Tuberous sclerosis 2. Last evaluated: 2025-12-06. Review status: criteria provided, single submitter. Criteria: Invitae Variant Classification Sherloc (09022015). Collection method: clinical testing. Allele origin: germline.

Ambry Genetics
Classification: Uncertain significance for Hereditary cancer-predisposing syndrome. Last evaluated: 2025-09-01. Review status: criteria provided, single submitter. Criteria: Ambry Variant Classification Scheme 2023. Collection method: clinical testing. Allele origin: germline.
Comment: The p.T1181M variant (also known as c.3542C>T), located in coding exon 29 of the TSC2 gene, results from a C to T substitution at nucleotide position 3542. The threonine at codon 1181 is replaced by methionine, an amino acid with similar properties. This amino acid position is not well conserved in available vertebrate species. In addition, the in silico prediction for this alteration is inconclusive. Since supporting evidence is limited at this time, the clinical significance of this alteration remains unclear.

Genome-Nilou Lab
Classification: Uncertain significance for Tuberous sclerosis 2. Last evaluated: 2021-11-07. Review status: criteria provided, single submitter. Criteria: ACMG Guidelines, 2015. Collection method: clinical testing. Allele origin: germline. Affected: no.

Sema4
Classification: Uncertain significance for Hereditary cancer-predisposing syndrome. Last evaluated: 2021-11-02. Review status: criteria provided, single submitter. Criteria: Sema4 Curation Guidelines. Collection method: curation. Allele origin: germline.
Comment: To the best of our knowledge, the TSC2 c.3542C>T (p.T1181M) variant has not been reported in individuals with TSC2-related disease. This variant was observed in 2/30606 chromosomes in the South Asian population according to the Genome Aggregation Database (PMID: 32461654), and has been reported in ClinVar (Variation ID: 135380). Functional studies have not been performed, and in silico predictions of the variant's effect on protein function are inconclusive. Based on the current evidence available, this variant is interpreted as a variant of uncertain significance.

Johns Hopkins Genomics, Johns Hopkins University
Classification: Uncertain significance for Tuberous sclerosis 2. Last evaluated: 2020-09-14. Review status: criteria provided, single submitter. Criteria: ACMG Guidelines, 2015. Collection method: clinical testing. Allele origin: germline.
Comment: This TSC2 variant (rs373481458) is rare (<0.1%) in a large population dataset (gnomAD: 5/282382 total alleles; 0.002%; no homozygotes) and has an entry in ClinVar. Two bioinformatics tools queried predict that this substitution would be tolerated, while another predicts it would be damaging. The threonine residue at this position is conserved across most mammalian species assessed. This variant is not predicted to affect normal exon 30 splicing, although this has not been confirmed experimentally to our knowledge. Due to insufficient evidence, we consider the clinical significance of c.3542C>T to be uncertain at this time.

ITMI
No classification provided. Condition: AllHighlyPenetrant. Last evaluated: 2013-09-19. Review status: no classification provided. Collection method: reference population. Allele origin: germline. Not counted in ClinVar's aggregate classification.
Comment: Please see associated publication for description of ethnicities

Literature cited by the submitters: PubMed 17005952 (cited by Johns Hopkins Genomics, Johns Hopkins University); PubMed 18722871 (cited by Johns Hopkins Genomics, Johns Hopkins University); PubMed 24728327 (cited by ITMI).

NM_000548.5(TSC2):c.3542C>T (p.Thr1181Met)

Gene: TSC2 (TSC complex subunit 2; plus strand). Cytogenetic location: 16p13.3.
Variant type: single nucleotide variant.
Coding change: c.3542C>T on transcript NM_000548.5 (MANE Select); coding-DNA position 3542, C replaced by T.
Protein change: p.Thr1181Met; replaces threonine 1181 with methionine.
Molecular consequence: missense variant.
Genome position (GRCh38, 1-based): chr16:2,080,309, C>T. VCF-style: chr16-2080309-C-T. GRCh37 (hg19) VCF-style: chr16-2130310-C-T.
Other names: c.3410C>T, p.Thr1137Met (NM_001077183.3, NM_001370404.1); c.3542C>T, p.Thr1181Met (NM_001114382.3); c.3302C>T, p.Thr1101Met (NM_001318827.2); c.3266C>T, p.Thr1089Met (NM_001318829.2); c.2810C>T, p.Thr937Met (NM_001318831.2); c.3443C>T, p.Thr1148Met (NM_001318832.2); c.3413C>T, p.Thr1138Met (NM_001363528.2, NM_001370405.1, NM_021055.3); short protein forms T1181M, T1089M, T1137M, T1148M, T1101M, T1138M, T937M.
Identifiers: ClinVar variation 135380 (VCV000135380.21), dbSNP rs373481458, ClinGen allele CA019264.